The following is an entry in ClinVar:

NM_000447.3(PSEN2):c.671C>T (p.Pro224Leu)

Gene: PSEN2 (presenilin 2; plus strand). Cytogenetic location: 1q42.13.
Variant type: single nucleotide variant.
Coding change: c.671C>T on transcript NM_000447.3 (MANE Select); coding-DNA position 671, C replaced by T.
Protein change: p.Pro224Leu; replaces proline 224 with leucine.
Molecular consequence: missense variant.
Genome position (GRCh38, 1-based): chr1:226,888,933, C>T. VCF-style: chr1-226888933-C-T. GRCh37 (hg19) VCF-style: chr1-227076634-C-T.
Other names: c.671C>T, p.Pro224Leu (NM_012486.3); short protein forms P224L.
Identifiers: ClinVar variation 1480094 (VCV001480094.8), dbSNP rs2102684411, ClinGen allele CA345040488.
Genomic context (GRCh38, chr1:226,888,933, plus strand): 5'-TCTTGCTGACTGTCTGGAACTTCGGGGCAGTGGGCATGGTGTGCATCCACTGGAAGGGCC[C>T]TCTGGTGCTGCAGCAGGCCTACCTCATCATGATCAGTGCGCTCATGGCCCTAGTGTTCAT-3'
Protein context (NP_000438.2, residues 214-234): VGMVCIHWKG[Pro224Leu]LVLQQAYLIM

ClinVar aggregate classification (germline): Uncertain significance (1 of 4 stars; one submission).

Conditions:
Alzheimer disease 4 (AD4). Identifiers: Orphanet 1020, MedGen C1847200, MONDO:0011743, OMIM 606889.

Allele frequency attached by ClinVar (database versions not stated): gnomAD exomes below 0.00001.
gnomAD v4.1: 4 of 1,614,178 alleles (0.00025%); highest among the groups gnomAD compares: Admixed American, 0.0033%; no homozygotes.

Submission:

Labcorp Genetics (formerly Invitae), Labcorp
Classification: Uncertain significance for Alzheimer disease 4. Last evaluated: 2020-12-09. Review status: criteria provided, single submitter. Criteria: Invitae Variant Classification Sherloc (09022015). Collection method: clinical testing. Allele origin: germline.
Comment: This sequence change replaces proline with leucine at codon 224 of the PSEN2 protein (p.Pro224Leu). The proline residue is highly conserved and there is a moderate physicochemical difference between proline and leucine. This variant is not present in population databases (ExAC no frequency). This variant has not been reported in the literature in individuals with PSEN2-related conditions. Algorithms developed to predict the effect of missense changes on protein structure and function (SIFT, PolyPhen-2, Align-GVGD) all suggest that this variant is likely to be disruptive, but these predictions have not been confirmed by published functional studies and their clinical significance is uncertain. In summary, the available evidence is currently insufficient to determine the role of this variant in disease. Therefore, it has been classified as a Variant of Uncertain Significance.